The following is an entry in ClinVar:

ClinVar aggregate classification (germline): Likely benign. Review status: reviewed by expert panel (3 of 4 stars). 5 submissions from 5 submitters: Likely benign (1). 4 of the submissions do not count toward it. Last evaluated 2017-06-29.

Conditions:
Hereditary cancer-predisposing syndrome. Also called: Tumor predisposition; Neoplastic Syndromes, Hereditary; Hereditary Cancer Syndrome; Hereditary neoplastic syndrome. Identifiers: Orphanet 140162, MedGen C0027672, MeSH D009386, MONDO:0015356.
Hereditary breast ovarian cancer syndrome. Also called: Hereditary breast and ovarian cancer syndrome (HBOC); Hereditary breast and ovarian cancer syndrome; Hereditary breast and ovarian cancer; Hereditary breast and/or ovarian cancer syndrome; Breast and ovarian cancer; BRCA1- and BRCA2-Associated Hereditary Breast and Ovarian Cancer. Identifiers: Orphanet 145, MedGen C0677776, MeSH D061325, MONDO:0003582. Disease mechanism: loss of function.
Breast-ovarian cancer, familial, susceptibility to, 1 (BROVCA1). Also called: OVARIAN CANCER, SUSCEPTIBILITY TO; BRCA1 Hereditary Breast and Ovarian Cancer. Identifiers: Orphanet 145, MedGen C2676676, MONDO:0011450, OMIM 604370. Disease mechanism: loss of function.

Submissions (5):

Evidence-based Network for the Interpretation of Germline Mutant Alleles (ENIGMA)
Classification: Likely benign for Breast-ovarian cancer, familial, susceptibility to, 1. Last evaluated: 2017-06-29. Review status: reviewed by expert panel. Criteria: ENIGMA BRCA1/2 Classification Criteria (2017-06-29). Collection method: curation. Allele origin: germline.
Comment: Synonymous substitution variant, with low bioinformatic likelihood to result in a splicing aberration (Splicing prior probability 0.02).

Color Diagnostics, LLC DBA Color Health
Classification: Likely benign for Hereditary cancer-predisposing syndrome. Last evaluated: 2024-12-10. Review status: criteria provided, single submitter. Criteria: ACMG Guidelines, 2015. Collection method: clinical testing. Allele origin: germline. Not counted in ClinVar's aggregate classification.

Ambry Genetics
Classification: Likely benign for Hereditary cancer-predisposing syndrome. Last evaluated: 2023-05-14. Review status: criteria provided, single submitter. Criteria: Ambry Variant Classification Scheme 2023. Collection method: clinical testing. Allele origin: germline. Not counted in ClinVar's aggregate classification.

Labcorp Genetics (formerly Invitae), Labcorp
Classification: Likely benign for Hereditary breast ovarian cancer syndrome. Last evaluated: 2022-09-07. Review status: criteria provided, single submitter. Criteria: Invitae Variant Classification Sherloc (09022015). Collection method: clinical testing. Allele origin: germline. Not counted in ClinVar's aggregate classification.

Breast Cancer Information Core (BIC) (BRCA1)
Classification: Uncertain significance for Breast-ovarian cancer, familial 1. Last evaluated: 1998-06-22. Review status: no assertion criteria provided. Collection method: clinical testing. Allele origin: germline. Affected: yes. Observed: 1 variant allele. Not counted in ClinVar's aggregate classification.

NM_007294.4(BRCA1):c.1893A>G (p.Leu631=)

Gene: BRCA1 (BRCA1 DNA repair associated; minus strand). Cytogenetic location: 17q21.31.
Variant type: single nucleotide variant.
Coding change: c.1893A>G on transcript NM_007294.4 (MANE Select); coding-DNA position 1893, A replaced by G.
Protein change: p.Leu631=; no amino-acid change (leucine 631 retained).
Molecular consequence: synonymous variant. On other transcripts: intron variant (137).
Genome position (GRCh38, 1-based): chr17:43,093,638, T>C on the plus strand (A>G on the coding strand, the complement: BRCA1 is on the minus strand). VCF-style: chr17-43093638-T-C. GRCh37 (hg19) VCF-style: chr17-41245655-T-C.
Other names: 2012A/G; c.667+2208A>G (NM_001408421.1, NM_001408431.1, NM_001408424.1); c.784+1106A>G (NM_001407991.1, NM_001408407.1, NM_001408402.1 and 13 more transcripts); c.664+1106A>G (NM_001408427.1, NM_001408443.1, NM_001408439.1 and 12 more transcripts); c.523+1106A>G (NM_001408496.1, NM_001408499.1, NM_001408498.1 and 3 more transcripts); c.646+1106A>G (NM_001408460.1, NM_001408454.1, NM_001408456.1 and 11 more transcripts); c.706+1106A>G (NM_001408413.1, NM_001408416.1); c.586+1106A>G (NM_001408476.1, NM_001408474.1); and 41 more.
Identifiers: ClinVar variation 54384 (VCV000054384.16), dbSNP rs80356834, ClinGen allele CA001233.